The following is an entry in ClinVar:

ClinVar aggregate classification (germline): Likely pathogenic (1 of 4 stars; one submission).

Conditions:
Arthrogryposis, distal, with impaired proprioception and touch (DAIPT). Identifiers: MedGen C4310692, MONDO:0014941, OMIM 617146.

Submission:

MVZ Medizinische Genetik Mainz
Classification: Likely pathogenic for Arthrogryposis, distal, with impaired proprioception and touch. Last evaluated: 2025-04-08. Review status: criteria provided, single submitter. Criteria: UK Practice Guidelines For Variant Classification V4 01 2020. Collection method: clinical testing. Allele origin: germline. Inheritance: Autosomal recessive inheritance. Affected: yes. Observed: 1 variant allele.
Comment: ACMG Criteria: PVS1,PM2_SUP

NM_001378183.1(PIEZO2):c.2802G>A (p.Trp934Ter)

Genes: PIEZO2 (piezo type mechanosensitive ion channel component 2; minus strand), LOC126862696 (BRD4-independent group 4 enhancer GRCh37_chr18:10769534-10770733; plus strand). Cytogenetic location: 18p11.22.
Variant type: single nucleotide variant.
Coding change: c.2802G>A on transcript NM_001378183.1 (MANE Select); coding-DNA position 2802, G replaced by A.
Protein change: p.Trp934Ter; replaces tryptophan 934 with a stop codon.
Molecular consequence: nonsense.
Genome position (GRCh38, 1-based): chr18:10,770,292, C>T on the plus strand (G>A on the coding strand, the complement: PIEZO2 is on the minus strand). VCF-style: chr18-10770292-C-T. GRCh37 (hg19) VCF-style: chr18-10770290-C-T.
Other names: c.2802G>A, p.Trp934Ter (NM_001410871.1); c.2727G>A, p.Trp909Ter (NM_022068.4); short protein forms W909*, W934*.
Identifiers: ClinVar variation 3894542 (VCV003894542.1).